The following is an entry in ClinVar:

ClinVar aggregate classification (germline): Pathogenic (1 of 4 stars; one submission).

Submission:

GeneDx
Classification: Pathogenic. Last evaluated: 2015-08-10. Review status: criteria provided, single submitter. Criteria: GeneDx Variant Classification (06012015). Collection method: clinical testing. Allele origin: germline. Affected: yes.
Comment: The P211S variant in the ELN gene has previously been reported in the homozygous state in threeindividuals from two related consanguineous families in Syria with autosomal recesesive cutis laxa (Megarbaneet al., 2009). The P211S substitution was not observed in approximately 6,500 individuals of European andAfrican American ancestry in the NHLBI Exome Sequencing Project; however, data from ethnically-matchedcontrol individuals were not available to assess for a population-specific benign variant. The P211S variant is anon-conservative amino acid substitution, which occurs at a position that is conserved in mammalian species.We interpret P211S as a pathogenic variant.

NM_000501.4(ELN):c.631C>T (p.Pro211Ser)

Gene: ELN (elastin; plus strand). Cytogenetic location: 7q11.23.
Variant type: single nucleotide variant.
Coding change: c.631C>T on transcript NM_000501.4 (MANE Select); coding-DNA position 631, C replaced by T.
Protein change: p.Pro211Ser; replaces proline 211 with serine.
Molecular consequence: missense variant.
Genome position (GRCh38, 1-based): chr7:74,046,755, C>T. VCF-style: chr7-74046755-C-T. GRCh37 (hg19) VCF-style: chr7-73461085-C-T.
Other names: c.601C>T, p.Pro201Ser (NM_001081752.3, NM_001278917.2); c.646C>T, p.Pro216Ser (NM_001081753.3, NM_001081754.3); c.631C>T, p.Pro211Ser (NM_001081755.3, NM_001278912.2, NM_001278915.2 and 2 more transcripts); c.565C>T, p.Pro189Ser (NM_001278913.2); c.616C>T, p.Pro206Ser (NM_001278914.2); c.499C>T, p.Pro167Ser (NM_001278918.2); short protein forms P211S, P167S, P189S, P216S, P201S, P206S.
Identifiers: ClinVar variation 419450 (VCV000419450.2), dbSNP rs1064793880, ClinGen allele CA16618557.